The following is an entry in ClinVar:

NM_004187.5(KDM5C):c.937C>T (p.Arg313Trp)

Gene: KDM5C (lysine demethylase 5C; minus strand). Cytogenetic location: Xp11.22.
Variant type: single nucleotide variant.
Coding change: c.937C>T on transcript NM_004187.5 (MANE Select); coding-DNA position 937, C replaced by T.
Protein change: p.Arg313Trp; replaces arginine 313 with tryptophan.
Molecular consequence: missense variant. On other transcripts: non-coding transcript variant (3).
Genome position (GRCh38, 1-based): chrX:53,215,821, G>A on the plus strand (C>T on the coding strand, the complement: KDM5C is on the minus strand). VCF-style: chrX-53215821-G-A. GRCh37 (hg19) VCF-style: chrX-53245003-G-A.
Other names: c.736C>T, p.Arg246Trp (NM_001146702.2); c.934C>T, p.Arg312Trp (NM_001282622.3, NM_001353979.2, NM_001353982.2); c.937C>T, p.Arg313Trp (NM_001353978.3, NM_001353981.2, NM_001353984.2); short protein forms R246W, R312W, R313W.
Identifiers: ClinVar variation 4975470 (VCV004975470.1).

ClinVar aggregate classification (germline): Uncertain significance (1 of 4 stars; one submission).

Submission:

GeneDx
Classification: Uncertain significance. Last evaluated: 2026-01-23. Review status: criteria provided, single submitter. Criteria: GeneDx Variant Classification Process June 2021. Collection method: clinical testing. Allele origin: germline.
Comment: Not observed at significant frequency in large population cohorts (gnomAD); In silico analysis supports that this missense variant has a deleterious effect on protein structure/function; Has not been previously published as pathogenic or benign to our knowledge